The following is an entry in ClinVar:

ClinVar aggregate classification (germline): Pathogenic (1 of 4 stars; one submission).

Submission:

Labcorp Genetics (formerly Invitae), Labcorp
Classification: Pathogenic. Last evaluated: 2024-05-06. Review status: criteria provided, single submitter. Criteria: Invitae Variant Classification Sherloc (09022015). Collection method: clinical testing. Allele origin: germline.
Comment: This sequence change creates a premature translational stop signal (p.Val98Glnfs*16) in the TET2 gene. It is expected to result in an absent or disrupted protein product. Loss-of-function variants in TET2 are known to be pathogenic (PMID: 36066697). This variant is not present in population databases (gnomAD no frequency). This variant has not been reported in the literature in individuals affected with TET2-related conditions. For these reasons, this variant has been classified as Pathogenic.

Literature cited by the submitters: PubMed 36066697.

NM_001127208.3(TET2):c.290_291dup (p.Val98fs)

Genes: TET2 (tet methylcytosine dioxygenase 2; plus strand), TET2-AS1 (TET2 antisense RNA 1; minus strand). Cytogenetic location: 4q24.
Variant type: Microsatellite.
Coding change: c.290_291dup on transcript NM_001127208.3 (MANE Select); coding-DNA positions 290 to 291, 2 bases duplicated (CA; older notation c.290_291dupCA).
Protein change: p.Val98fs; shifts the reading frame from valine 98.
Molecular consequence: frameshift variant.
Genome position (GRCh38, 1-based): chr4:105,234,232-105,234,233, CA duplicated; duplicating any 2 consecutive bases within chr4:105,234,230-105,234,233 gives the same sequence; the c. name uses the placement nearest the transcript's 3' end. VCF-style (leftmost placement, unchanged base first): chr4-105234229-G-GCA. GRCh37 (hg19) VCF-style: chr4-106155386-G-GCA.
Other names: c.290_291dup, p.Val98fs (NM_017628.4); short protein forms V98fs.
Identifiers: ClinVar variation 2831038 (VCV002831038.3), dbSNP rs2476478867, ClinGen allele CA2739270210.